The following is an entry in ClinVar:

NM_032608.7(MYO18B):c.563G>A (p.Gly188Glu)

Gene: MYO18B (myosin XVIIIB; plus strand). Cytogenetic location: 22q12.1.
Variant type: single nucleotide variant.
Coding change: c.563G>A on transcript NM_032608.7 (MANE Select); coding-DNA position 563, G replaced by A.
Protein change: p.Gly188Glu; replaces glycine 188 with glutamic acid.
Molecular consequence: missense variant.
Genome position (GRCh38, 1-based): chr22:25,768,479, G>A. VCF-style: chr22-25768479-G-A. GRCh37 (hg19) VCF-style: chr22-26164446-G-A.
Other names: c.563G>A, p.Gly188Glu (NM_001318245.2); short protein forms G188E.
Identifiers: ClinVar variation 1359759 (VCV001359759.5), dbSNP rs866563189, ClinGen allele CA322778986.

ClinVar aggregate classification (germline): Uncertain significance (1 of 4 stars; one submission).

Allele frequency attached by ClinVar (database versions not stated): gnomAD exomes below 0.00001; gnomAD 0.00001; TOPMed 0.00001.

Submission:

Labcorp Genetics (formerly Invitae), Labcorp
Classification: Uncertain significance. Last evaluated: 2022-09-27. Review status: criteria provided, single submitter. Criteria: Invitae Variant Classification Sherloc (09022015). Collection method: clinical testing. Allele origin: germline.
Comment: This sequence change replaces glycine, which is neutral and non-polar, with glutamic acid, which is acidic and polar, at codon 188 of the MYO18B protein (p.Gly188Glu). This variant is not present in population databases (gnomAD no frequency). This variant has not been reported in the literature in individuals affected with MYO18B-related conditions. ClinVar contains an entry for this variant (Variation ID: 1359759). Algorithms developed to predict the effect of missense changes on protein structure and function output the following: SIFT: "Not Available"; PolyPhen-2: "Possibly Damaging"; Align-GVGD: "Not Available". The glutamic acid amino acid residue is found in multiple mammalian species, which suggests that this missense change does not adversely affect protein function. In summary, the available evidence is currently insufficient to determine the role of this variant in disease. Therefore, it has been classified as a Variant of Uncertain Significance.